The following is an entry in ClinVar:

NM_002506.3(NGF):c.388A>G (p.Arg130Gly)

Genes: NGF (nerve growth factor; minus strand), NGF-AS1 (NGF antisense RNA 1; plus strand). Cytogenetic location: 1p13.2.
Variant type: single nucleotide variant.
Coding change: c.388A>G on transcript NM_002506.3 (MANE Select); coding-DNA position 388, A replaced by G.
Protein change: p.Arg130Gly; replaces arginine 130 with glycine.
Molecular consequence: missense variant.
Genome position (GRCh38, 1-based): chr1:115,286,408, T>C on the plus strand (A>G on the coding strand, the complement: NGF is on the minus strand). VCF-style: chr1-115286408-T-C. GRCh37 (hg19) VCF-style: chr1-115829029-T-C.
Other names: c.388A>G (NM_002506.2); short protein forms R130G.
Identifiers: ClinVar variation 1000642 (VCV001000642.9), dbSNP rs1421686319, ClinGen allele CA341836663.

ClinVar aggregate classification (germline): Uncertain significance. Review status: criteria provided, multiple submitters, no conflicts (2 of 4 stars). 2 submissions from 2 submitters: Uncertain significance (2). Last evaluated 2025-05-29.

Conditions:
Congenital sensory neuropathy with selective loss of small myelinated fibers (HSAN5). Also called: HSAN Type V. Identifiers: Orphanet 64752, MedGen C0020075, MONDO:0012092, OMIM 608654.
Inborn genetic diseases. Identifiers: MedGen C0950123, MeSH D030342.

Allele frequency attached by ClinVar (database versions not stated): gnomAD exomes below 0.00001.
gnomAD v4.1: 5 of 1,612,648 alleles (0.00031%); highest among the groups gnomAD compares: Non-Finnish European, 0.00034%; no homozygotes.

Submissions (2):

Ambry Genetics
Classification: Uncertain significance for Inborn genetic diseases. Last evaluated: 2025-05-29. Review status: criteria provided, single submitter. Criteria: Ambry Variant Classification Scheme 2023. Collection method: clinical testing. Allele origin: germline.

Labcorp Genetics (formerly Invitae), Labcorp
Classification: Uncertain significance for Congenital sensory neuropathy with selective loss of small myelinated fibers. Last evaluated: 2020-06-10. Review status: criteria provided, single submitter. Criteria: Invitae Variant Classification Sherloc (09022015). Collection method: clinical testing. Allele origin: germline.
Comment: In summary, the available evidence is currently insufficient to determine the role of this variant in disease. Therefore, it has been classified as a Variant of Uncertain Significance. Algorithms developed to predict the effect of missense changes on protein structure and function are either unavailable or do not agree on the potential impact of this missense change (SIFT: "Deleterious"; PolyPhen-2: "Benign"; Align-GVGD: "Class C15"). This variant has not been reported in the literature in individuals with NGF-related conditions. This variant is not present in population databases (ExAC no frequency). This sequence change replaces arginine with glycine at codon 130 of the NGF protein (p.Arg130Gly). The arginine residue is highly conserved and there is a moderate physicochemical difference between arginine and glycine.